The following is an entry in ClinVar:

NM_006947.4(SRP72):c.298A>G (p.Thr100Ala)

Gene: SRP72 (signal recognition particle 72; plus strand). Cytogenetic location: 4q12.
Variant type: single nucleotide variant.
Coding change: c.298A>G on transcript NM_006947.4 (MANE Select); coding-DNA position 298, A replaced by G.
Protein change: p.Thr100Ala; replaces threonine 100 with alanine.
Molecular consequence: missense variant. On other transcripts: non-coding transcript variant (1).
Genome position (GRCh38, 1-based): chr4:56,471,787, A>G. VCF-style: chr4-56471787-A-G. GRCh37 (hg19) VCF-style: chr4-57337953-A-G.
Other names: c.298A>G, p.Thr100Ala (NM_001267722.2); short protein forms T100A.
Identifiers: ClinVar variation 3801426 (VCV003801426.1).

ClinVar aggregate classification (germline): Uncertain significance (1 of 4 stars; one submission).

Submission:

Ambry Genetics
Classification: Uncertain significance. Last evaluated: 2025-01-03. Review status: criteria provided, single submitter. Criteria: Ambry Variant Classification Scheme 2023. Collection method: clinical testing. Allele origin: germline.
Comment: The p.T100A variant (also known as c.298A>G), located in coding exon 3 of the SRP72 gene, results from an A to G substitution at nucleotide position 298. The threonine at codon 100 is replaced by alanine, an amino acid with similar properties. This amino acid position is conserved. In addition, the in silico prediction for this alteration is inconclusive. Based on the available evidence, the clinical significance of this variant remains unclear.